The following is an entry in ClinVar:

NM_000384.3(APOB):c.2801A>C (p.Lys934Thr)

Gene: APOB (apolipoprotein B; minus strand). Cytogenetic location: 2p24.1.
Variant type: single nucleotide variant.
Coding change: c.2801A>C on transcript NM_000384.3 (MANE Select); coding-DNA position 2801, A replaced by C.
Protein change: p.Lys934Thr; replaces lysine 934 with threonine.
Molecular consequence: missense variant.
Genome position (GRCh38, 1-based): chr2:21,022,846, T>G on the plus strand (A>C on the coding strand, the complement: APOB is on the minus strand). VCF-style: chr2-21022846-T-G. GRCh37 (hg19) VCF-style: chr2-21245718-T-G.
Other names: short protein forms K934T.
Identifiers: ClinVar variation 3932102 (VCV003932102.1).
Genomic context (GRCh38, chr2:21,022,846, plus strand): 5'-TTCTCTCTTTCAAACTGGCTAGGCAGACTTGGCTGAAAGAATTACCCTCCACTGAGCAGC[T>G]TGACTGGTCTCTTTGGGGAAGGAATGATAAACTTCAGCTTCCCAGCTTTTAGGGCAACAT-3'
Protein context (NP_000375.3, residues 924-944): FIIPSPKRPV[Lys934Thr]LLSGGNTLHL

ClinVar aggregate classification (germline): Uncertain significance (1 of 4 stars; one submission).

Conditions:
Cardiovascular phenotype. Identifiers: MedGen CN230736.

Submission:

Ambry Genetics
Classification: Uncertain significance for Cardiovascular phenotype. Last evaluated: 2025-05-08. Review status: criteria provided, single submitter. Criteria: Ambry Variant Classification Scheme 2023. Collection method: clinical testing. Allele origin: germline.
Comment: The p.K934T variant (also known as c.2801A>C), located in coding exon 18 of the APOB gene, results from an A to C substitution at nucleotide position 2801. The lysine at codon 934 is replaced by threonine, an amino acid with similar properties. This amino acid position is conserved. In addition, this alteration is predicted to be tolerated by in silico analysis. Based on the available evidence, the clinical significance of this variant remains unclear.